The following is an entry in ClinVar:

NM_001319074.4(RAX2):c.138C>T (p.Phe46=)

Gene: RAX2 (retina and anterior neural fold homeobox 2; minus strand). Cytogenetic location: 19p13.3.
Variant type: single nucleotide variant.
Coding change: c.138C>T on transcript NM_001319074.4 (MANE Select); coding-DNA position 138, C replaced by T.
Protein change: p.Phe46=; no amino-acid change (phenylalanine 46 retained).
Molecular consequence: synonymous variant.
Genome position (GRCh38, 1-based): chr19:3,771,605, G>A on the plus strand (C>T on the coding strand, the complement: RAX2 is on the minus strand). VCF-style: chr19-3771605-G-A. GRCh37 (hg19) VCF-style: chr19-3771603-G-A.
Other names: c.138C>T, p.Phe46= (NM_032753.4); c.138C>T (NM_032753.3).
Identifiers: ClinVar variation 1083241 (VCV001083241.11), dbSNP rs771416905, ClinGen allele CA9085107.
Genomic context (GRCh38, chr19:3,771,605, plus strand): 5'-TAGGTGCACCTTGGCTGCCAGCTCCTCACGGCTGTACACATCCGGGTAGTGAGAGGCCTC[G>A]AACGCCCGCTCCAGCTGGTGCAGCTGGTAGGTGGTGAAGGTGGTGCGGTTCCTCCGGTGC-3'
Protein context (NP_001306003.2, residues 36-56): TYQLHQLERA[Phe46=]EASHYPDVYS

ClinVar aggregate classification (germline): Likely benign. Review status: criteria provided, multiple submitters, no conflicts (2 of 4 stars). 3 submissions from 3 submitters: Likely benign (3). Last evaluated 2026-03-31.

Conditions:
RAX2-related disorder. Also called: RAX2-related disorders; RAX2-related condition.

Allele frequency attached by ClinVar (database versions not stated): gnomAD exomes 0.00001; ExAC 0.00002; gnomAD 0.00002 and 0.00003; TOPMed 0.00003.

Submissions (3):

PreventionGenetics, part of Exact Sciences
Classification: Likely benign for RAX2-related condition. Last evaluated: 2026-03-31. Review status: criteria provided, single submitter. Criteria: ACMG Guidelines, 2015. Collection method: clinical testing. Allele origin: germline.
Comment: This variant is classified as likely benign based on ACMG/AMP sequence variant interpretation guidelines (Richards et al. 2015 PMID: 25741868, with internal and published modifications).

Blueprint Genetics
Classification: Likely benign. Last evaluated: 2023-07-07. Review status: criteria provided, single submitter. Criteria: ACMG Guidelines, 2015. Collection method: clinical testing. Allele origin: germline.

Labcorp Genetics (formerly Invitae), Labcorp
Classification: Likely benign. Last evaluated: 2023-03-23. Review status: criteria provided, single submitter. Criteria: Invitae Variant Classification Sherloc (09022015). Collection method: clinical testing. Allele origin: germline.